The following is an entry in ClinVar:

ClinVar aggregate classification (germline): Uncertain significance (1 of 4 stars; one submission).

Conditions:
Inborn genetic diseases. Identifiers: MedGen C0950123, MeSH D030342.

gnomAD v4.1: 1 of 1,552,682 alleles (0.000064%); highest among the groups gnomAD compares: Non-Finnish European, 0.000087%; no homozygotes.

Submission:

Ambry Genetics
Classification: Uncertain significance for Inborn genetic diseases. Last evaluated: 2025-02-28. Review status: criteria provided, single submitter. Criteria: Ambry Variant Classification Scheme 2023. Collection method: clinical testing. Allele origin: germline.
Comment: The p.R631S variant (also known as c.1893G>T), located in coding exon 15 of the DNMT3A gene, results from a G to T substitution at nucleotide position 1893. The arginine at codon 631 is replaced by serine, an amino acid with dissimilar properties. This amino acid position is conserved. In addition, the in silico prediction for this alteration is inconclusive. Based on the available evidence, the clinical significance of this variant remains unclear.

NM_022552.5(DNMT3A):c.1893G>T (p.Arg631Ser)

Gene: DNMT3A (DNA methyltransferase 3 alpha; minus strand). Cytogenetic location: 2p23.3.
Variant type: single nucleotide variant.
Coding change: c.1893G>T on transcript NM_022552.5 (MANE Select); coding-DNA position 1893, G replaced by T.
Protein change: p.Arg631Ser; replaces arginine 631 with serine.
Molecular consequence: missense variant. On other transcripts: non-coding transcript variant (1).
Genome position (GRCh38, 1-based): chr2:25,243,941, C>A on the plus strand (G>T on the coding strand, the complement: DNMT3A is on the minus strand). VCF-style: chr2-25243941-C-A. GRCh37 (hg19) VCF-style: chr2-25466810-C-A.
Other names: c.1437G>T, p.Arg479Ser (NM_001320893.1); c.1224G>T, p.Arg408Ser (NM_001375819.1); c.1326G>T, p.Arg442Ser (NM_153759.3); c.1893G>T, p.Arg631Ser (NM_175629.2); short protein forms R442S, R479S, R631S, R408S.
Identifiers: ClinVar variation 3841803 (VCV003841803.1).
Genomic context (GRCh38, chr2:25,243,941, plus strand): 5'-GGGCCTGCACCCCTCACCTGTAGCGATTCCATCAAAGAGAGACAGCACCCGGATGGGCTT[C>A]CTCTTCTCAGCTGGGACAGGTGGGTAAACCTTTGGAGGGTCCTAAGCAGTGAGCACAACA-3'
Protein context (NP_072046.2, residues 621-641): KVYPPVPAEK[Arg631Ser]KPIRVLSLFD